The following is an entry in ClinVar:

ClinVar aggregate classification (germline): Benign (1 of 4 stars; one submission).

Submission:

Laboratory for Molecular Medicine, Mass General Brigham Personalized Medicine
Classification: Benign. Last evaluated: 2016-03-29. Review status: criteria provided, single submitter. Criteria: LMM Criteria. Collection method: clinical testing. Allele origin: germline.
Comment: Variant identified in a genome or exome case(s) and assessed due to predicted null impact of the variant or pathogenic assertions in the literature or databases. Disclaimer: This variant has not undergone full assessment. The following are preliminary notes: 11% (631/5822) of African chromosomes in ExAC

NM_001379500.1(COL18A1):c.2961_2969dup (p.985GPP[5])

Genes: COL18A1 (collagen type XVIII alpha 1 chain; plus strand), SLC19A1 (solute carrier family 19 member 1; minus strand). Cytogenetic location: 21q22.3.
Variant type: Duplication.
Coding change: c.2961_2969dup on transcript NM_001379500.1 (MANE Select); coding-DNA positions 2961 to 2969, 9 bases duplicated (CGGCCCCCC; older notation c.2961_2969dupCGGCCCCCC).
Protein change: p.985GPP[5].
Molecular consequence: inframe insertion.
Genome position (GRCh38, 1-based): chr21:45,505,226-45,505,234, CGGCCCCCC duplicated; duplicating any 9 consecutive bases within chr21:45,505,224-45,505,234 gives the same sequence; the c. name uses the placement nearest the transcript's 3' end. VCF-style (leftmost placement, unchanged base first): chr21-45505223-T-TCCCGGCCCC. GRCh37 (hg19) VCF-style: chr21-46925137-T-TCCCGGCCCC.
Other names: NM_130445.2:c.2969_2970insCGGCCCCCC; c.3492_3500dup, p.1162GPP[5] (NM_030582.4); c.4197_4205dup, p.1397GPP[5] (NM_130444.3).
Identifiers: ClinVar variation 402552 (VCV000402552.4), dbSNP rs776751637, ClinGen allele CA16609791.
Genomic context (GRCh38, chr21:45,505,223, plus strand): 5'-GCCCGGCCCACCTGGACCTCAGGGACCCCCCGGCATCGGCTACGAGGGGCGCCAGGGCCC[T>TCCCGGCCCC]CCCGGCCCCCCAGGCCCCCCAGGGCCCCCTTCATTTCCTGGCCCTCACAGGCAGAGTAAG-3'